The following is an entry in ClinVar:

Conditions:
Long QT syndrome 5 (LQT5). Identifiers: Orphanet 101016, Orphanet 768, MedGen C1867904, MONDO:0013372, OMIM 613695.

Submission:

Roden Lab, Vanderbilt University Medical Center
No classification provided (evidence only). Condition: Long QT syndrome 5. Review status: no classification provided. Collection method: in vitro. Allele origin: not applicable. Functional consequence: Effect on ion channel function.
ClinVar note: "not provided" was previously submitted as the classification for the variant. However, the classification appeared to be based only on an observation of functional data so it was converted to no classification on 2025-07-30.

NM_000219.6(KCNE1):c.76A>T (p.Asn26Tyr)

Gene: KCNE1 (potassium voltage-gated channel subfamily E regulatory subunit 1; minus strand). Cytogenetic location: 21q22.12.
Variant type: single nucleotide variant.
Coding change: c.76A>T on transcript NM_000219.6 (MANE Select); coding-DNA position 76, A replaced by T.
Protein change: p.Asn26Tyr; replaces asparagine 26 with tyrosine.
Molecular consequence: missense variant.
Genome position (GRCh38, 1-based): chr21:34,449,559, T>A on the plus strand (A>T on the coding strand, the complement: KCNE1 is on the minus strand). VCF-style: chr21-34449559-T-A. GRCh37 (hg19) VCF-style: chr21-35821857-T-A.
Other names: c.76A>T, p.Asn26Tyr (NM_001127668.4, NM_001127669.4, NM_001127670.4 and 4 more transcripts); short protein forms N26Y.
Identifiers: ClinVar variation 3373984 (VCV003373984.2).